The following is an entry in ClinVar:

ClinVar aggregate classification (germline): Uncertain significance (1 of 4 stars; one submission).

Submission:

Labcorp Genetics (formerly Invitae), Labcorp
Classification: Uncertain significance. Last evaluated: 2022-03-19. Review status: criteria provided, single submitter. Criteria: Invitae Variant Classification Sherloc (09022015). Collection method: clinical testing. Allele origin: germline.
Comment: In summary, the available evidence is currently insufficient to determine the role of this variant in disease. Therefore, it has been classified as a Variant of Uncertain Significance. Experimental studies and prediction algorithms are not available or were not evaluated, and the functional significance of this variant is currently unknown. This variant has not been reported in the literature in individuals affected with ADAMTSL4-related conditions. This variant is not present in population databases (gnomAD no frequency). This variant, c.1593_1595del, results in the deletion of 1 amino acid(s) of the ADAMTSL4 protein (p.Gly532del), but otherwise preserves the integrity of the reading frame.

NM_019032.6(ADAMTSL4):c.1593_1595del (p.Gly532del)

Genes: ADAMTSL4 (ADAMTS like 4; plus strand), ADAMTSL4-AS2 (ADAMTSL4 antisense RNA 2; minus strand). Cytogenetic location: 1q21.2.
Variant type: Deletion.
Coding change: c.1593_1595del on transcript NM_019032.6 (MANE Select); coding-DNA positions 1593 to 1595, 3 bases deleted (GGG; older notation c.1593_1595delGGG).
Protein change: p.Gly532del; deletes glycine 532.
Molecular consequence: inframe deletion.
Genome position (GRCh38, 1-based): chr1:150,556,637-150,556,639, GGG deleted; deleting any 3 consecutive bases within chr1:150,556,635-150,556,639 gives the same sequence; the c. name uses the placement nearest the transcript's 3' end. VCF-style (leftmost placement, unchanged base first): chr1-150556634-TGGG-T. GRCh37 (hg19) VCF-style: chr1-150529110-TGGG-T.
Other names: c.1662_1664del, p.Gly555del (NM_001288607.2, NM_001288608.2); c.1593_1595del, p.Gly532del (NM_001378596.1, NM_025008.5); short protein forms G555del, G532del.
Identifiers: ClinVar variation 2114600 (VCV002114600.2), dbSNP rs1672154805, ClinGen allele CA2479210572.